The following is an entry in ClinVar:

NM_000368.5(TSC1):c.1381G>C (p.Gly461Arg)

Gene: TSC1 (TSC complex subunit 1; minus strand). Cytogenetic location: 9q34.13.
Variant type: single nucleotide variant.
Coding change: c.1381G>C on transcript NM_000368.5 (MANE Select); coding-DNA position 1381, G replaced by C.
Protein change: p.Gly461Arg; replaces glycine 461 with arginine.
Molecular consequence: missense variant. On other transcripts: non-coding transcript variant (5).
Genome position (GRCh38, 1-based): chr9:132,906,788, C>G on the plus strand (G>C on the coding strand, the complement: TSC1 is on the minus strand). VCF-style: chr9-132906788-C-G. GRCh37 (hg19) VCF-style: chr9-135782175-C-G.
Other names: c.1378G>C, p.Gly460Arg (NM_001162426.2, NM_001406597.1, NM_001406598.1 and 6 more transcripts); c.1228G>C, p.Gly410Arg (NM_001162427.2, NM_001406610.1); c.1018G>C, p.Gly340Arg (NM_001362177.2, NM_001406614.1, NM_001406615.1 and 5 more transcripts); c.1381G>C, p.Gly461Arg (NM_001406592.1, NM_001406593.1, NM_001406594.1 and 7 more transcripts); c.1225G>C, p.Gly409Arg (NM_001406611.1, NM_001406612.1, NM_001406613.1); c.1015G>C, p.Gly339Arg (NM_001406620.1, NM_001406621.1, NM_001406622.1 and 2 more transcripts); c.430G>C, p.Gly144Arg (NM_001406626.1); c.427G>C, p.Gly143Arg (NM_001406627.1, NM_001406628.1); and 1 more; short protein forms G110R, G143R, G144R, G339R, G340R, G409R, G410R, G460R.
Identifiers: ClinVar variation 3231272 (VCV003231272.1), dbSNP rs2131865445, ClinGen allele CA375365965.

ClinVar aggregate classification (germline): Uncertain significance (1 of 4 stars; one submission).

Conditions:
Hereditary cancer-predisposing syndrome. Also called: Neoplastic Syndromes, Hereditary; Tumor predisposition; Hereditary neoplastic syndrome; Hereditary Cancer Syndrome. Identifiers: Orphanet 140162, MedGen C0027672, MeSH D009386, MONDO:0015356.

Submission:

Ambry Genetics
Classification: Uncertain significance for Hereditary cancer-predisposing syndrome. Last evaluated: 2023-10-10. Review status: criteria provided, single submitter. Criteria: Ambry Variant Classification Scheme 2023. Collection method: clinical testing. Allele origin: germline.
Comment: The p.G461R variant (also known as c.1381G>C), located in coding exon 12 of the TSC1 gene, results from a G to C substitution at nucleotide position 1381. The glycine at codon 461 is replaced by arginine, an amino acid with dissimilar properties. This amino acid position is conserved. In addition, this alteration is predicted to be tolerated by in silico analysis. Since supporting evidence is limited at this time, the clinical significance of this alteration remains unclear.